The following is an entry in ClinVar:

ClinVar aggregate classification (germline): Pathogenic. Review status: criteria provided, multiple submitters, no conflicts (2 of 4 stars). 5 submissions from 5 submitters: Pathogenic (4). 1 of the submissions does not count toward it. Last evaluated 2025-06-05.

Conditions:
PMM2-congenital disorder of glycosylation. Also called: JAEKEN SYNDROME; Congenital disorder of glycosylation, type Ia; PHOSPHOMANNOMUTASE 2 DEFICIENCY; CARBOHYDRATE-DEFICIENT GLYCOPROTEIN SYNDROME, TYPE Ia; CDG Ia; PMM2-CDG. Identifiers: Orphanet 79318, MedGen C0349653, MONDO:0008907, OMIM 212065.

Allele frequency attached by ClinVar (database versions not stated): gnomAD 0.00002; TOPMed 0.00006.
gnomAD v4.1: 3 of 1,611,952 alleles (0.00019%); highest among the groups gnomAD compares: Admixed American, 0.005%; no homozygotes.

Submissions (5):

Natera, Inc.
Classification: Pathogenic for Congenital disorder of glycosylation type 1a. Last evaluated: 2025-06-05. Review status: criteria provided, single submitter. Criteria: Natera Variant Classification Schema (03/2026). Collection method: clinical testing. Allele origin: germline.
Comment: The c.104T>A variant in PMM2 is a nonsense variant predicted to introduce a stop codon at amino acid 35. This variant is expected to result in nonsense mediated decay, truncation, or a dysfunctional protein product. This variant is rare in the general population with a frequency below the threshold expected for the associated phenotype(s). This variant has been observed in one or more individuals affected with the associated recessive disease, as either homozygous or compound heterozygous with a second variant (PMID: 18571450). Given the available evidence, this variant is classified as Pathogenic.

Labcorp Genetics (formerly Invitae), Labcorp
Classification: Pathogenic for PMM2-congenital disorder of glycosylation. Last evaluated: 2024-07-23. Review status: criteria provided, single submitter. Criteria: Invitae Variant Classification Sherloc (09022015). Collection method: clinical testing. Allele origin: germline.
Comment: This sequence change creates a premature translational stop signal (p.Leu35*) in the PMM2 gene. It is expected to result in an absent or disrupted protein product. Loss-of-function variants in PMM2 are known to be pathogenic (PMID: 19862844). This variant is not present in population databases (gnomAD no frequency). This premature translational stop signal has been observed in individual(s) with congenital disorder of glycosylation type 1a (PMID: 18571450). ClinVar contains an entry for this variant (Variation ID: 550940). For these reasons, this variant has been classified as Pathogenic.

Fulgent Genetics
Classification: Pathogenic for PMM2-congenital disorder of glycosylation. Last evaluated: 2021-07-29. Review status: criteria provided, single submitter. Criteria: ACMG Guidelines, 2015. Collection method: clinical testing. Allele origin: unknown.

Women's Health and Genetics/Laboratory Corporation of America, LabCorp
Classification: Pathogenic for Congenital disorder of glycosylation, type Ia. Last evaluated: 2019-12-26. Review status: criteria provided, single submitter. Criteria: LabCorp Variant Classification Summary - May 2015. Collection method: clinical testing. Allele origin: germline.
Comment: Variant summary: PMM2 c.104T>A (p.Leu35X) results in a premature termination codon, predicted to cause a truncation of the encoded protein or absence of the protein due to nonsense mediated decay, which are commonly known mechanisms for disease. Truncations downstream of this position have been classified as pathogenic by our laboratory. The variant was absent in 249438 control chromosomes. c.104T>A has been reported in the literature in at-least one individual neonate affected with Congenital Disorder of Glycosylation Type 1a (example, Turin_2008). These data do not allow any conclusion about variant significance. To our knowledge, no experimental evidence demonstrating an impact on protein function has been reported. One clinical diagnostic laboratory has submitted clinical-significance assessments for this variant to ClinVar after 2014 without evidence for independent evaluation and classified the variant as likely pathogenic. Based on the evidence outlined above, the variant was classified as pathogenic.

Counsyl
Classification: Likely pathogenic for PMM2-congenital disorder of glycosylation. Last evaluated: 2017-03-22. Review status: no assertion criteria provided. Collection method: clinical testing. Allele origin: unknown. Not counted in ClinVar's aggregate classification.

Literature cited by the submitters: PubMed 18571450 (cited by 4 submitters); PubMed 19862844 (cited by Labcorp Genetics (formerly Invitae), Labcorp); PubMed 25525159 (cited by Counsyl).

NM_000303.3(PMM2):c.104T>A (p.Leu35Ter)

Gene: PMM2 (phosphomannomutase 2; plus strand). Cytogenetic location: 16p13.2.
Variant type: single nucleotide variant.
Coding change: c.104T>A on transcript NM_000303.3 (MANE Select); coding-DNA position 104, T replaced by A.
Protein change: p.Leu35Ter; replaces leucine 35 with a stop codon.
Molecular consequence: nonsense.
Genome position (GRCh38, 1-based): chr16:8,801,836, T>A. VCF-style: chr16-8801836-T-A. GRCh37 (hg19) VCF-style: chr16-8895693-T-A.
Other names: short protein forms L35*.
Identifiers: ClinVar variation 550940 (VCV000550940.18), dbSNP rs1555448899, ClinGen allele CA394695197.
Genomic context (GRCh38, chr16:8,801,836, plus strand): 5'-GTATTTTCTTTCTTGAAATTTAGAAAATTACCAAAGAAATGGATGACTTCCTACAAAAAT[T>A]GAGGCAGAAGATCAAAATCGGAGTGGTAGGCGGATCGGACTTTGAGAAAGTGCAGGAGCA-3'